The following is an entry in ClinVar:

ClinVar aggregate classification (germline): Uncertain significance. Review status: criteria provided, multiple submitters, no conflicts (2 of 4 stars). 2 submissions from 2 submitters: Uncertain significance (2). Last evaluated 2024-08-01.

Conditions:
Inborn genetic diseases. Identifiers: MedGen C0950123, MeSH D030342.
Multiple mitochondrial dysfunctions syndrome 1 (MMDS1). Identifiers: Orphanet 401869, MedGen C3276432, MONDO:0011582, OMIM 605711.

Allele frequency attached by ClinVar (database versions not stated): TOPMed below 0.00001; gnomAD 0.00001; gnomAD exomes 0.00001 and 0.00002; ExAC 0.00002.
gnomAD v4.1: 25 of 1,609,808 alleles (0.0016%); highest among the groups gnomAD compares: East Asian, 0.016%; no homozygotes.

Submissions (2):

Ambry Genetics
Classification: Uncertain significance for Inborn genetic diseases. Last evaluated: 2024-08-01. Review status: criteria provided, single submitter. Criteria: Ambry Variant Classification Scheme 2023. Collection method: clinical testing. Allele origin: germline.

Labcorp Genetics (formerly Invitae), Labcorp
Classification: Uncertain significance for Multiple mitochondrial dysfunctions syndrome 1. Last evaluated: 2022-01-14. Review status: criteria provided, single submitter. Criteria: Invitae Variant Classification Sherloc (09022015). Collection method: clinical testing. Allele origin: germline.
Comment: In summary, the available evidence is currently insufficient to determine the role of this variant in disease. Therefore, it has been classified as a Variant of Uncertain Significance. Algorithms developed to predict the effect of missense changes on protein structure and function (SIFT, PolyPhen-2, Align-GVGD) all suggest that this variant is likely to be tolerated. This variant has not been reported in the literature in individuals affected with NFU1-related conditions. This variant is present in population databases (rs770513953, gnomAD 0.01%). This sequence change replaces phenylalanine, which is neutral and non-polar, with valine, which is neutral and non-polar, at codon 52 of the NFU1 protein (p.Phe52Val).

NM_001002755.4(NFU1):c.154T>G (p.Phe52Val)

Gene: NFU1 (NFU1 iron-sulfur cluster scaffold; minus strand). Cytogenetic location: 2p13.3.
Variant type: single nucleotide variant.
Coding change: c.154T>G on transcript NM_001002755.4 (MANE Select); coding-DNA position 154, T replaced by G.
Protein change: p.Phe52Val; replaces phenylalanine 52 with valine.
Molecular consequence: missense variant. On other transcripts: 5 prime UTR variant (1), non-coding transcript variant (2).
Genome position (GRCh38, 1-based): chr2:69,431,914, A>C on the plus strand (T>G on the coding strand, the complement: NFU1 is on the minus strand). VCF-style: chr2-69431914-A-C. GRCh37 (hg19) VCF-style: chr2-69659046-A-C.
Other names: c.154T>G (NM_001002755.1); c.-134T>G (NM_001002756.2); c.82T>G, p.Phe28Val (NM_001374284.1, NM_015700.4); short protein forms F52V, F28V.
Identifiers: ClinVar variation 1510906 (VCV001510906.10), dbSNP rs770513953, ClinGen allele CA1694292.
Genomic context (GRCh38, chr2:69,431,914, plus strand): 5'-TCCATCAGTTTCTGAAACACAACTGCTATAAAAGAGGTGAAATTTTACCTGGGTGATAAA[A>C]GGCTGCAGGTAGTGGGAAAAGTGGTCTTTGTACAAACTGATGCAGAGGCTGTTTCTTAAT-3'
Protein context (NP_001002755.1, residues 42-62): QRPLFPLPAA[Phe52Val]YHPVRYMFIQ